The following is an entry in ClinVar:

NM_000540.3(RYR1):c.3070C>T (p.Arg1024Cys)

Gene: RYR1 (ryanodine receptor 1; plus strand). Cytogenetic location: 19q13.2.
Variant type: single nucleotide variant.
Coding change: c.3070C>T on transcript NM_000540.3 (MANE Select); coding-DNA position 3070, C replaced by T.
Protein change: p.Arg1024Cys; replaces arginine 1024 with cysteine.
Molecular consequence: missense variant.
Genome position (GRCh38, 1-based): chr19:38,466,290, C>T. VCF-style: chr19-38466290-C-T. GRCh37 (hg19) VCF-style: chr19-38956930-C-T.
Other names: c.3070C>T, p.Arg1024Cys (NM_001042723.2); short protein forms R1024C.
Identifiers: ClinVar variation 2173971 (VCV002173971.4), dbSNP rs780121053, ClinGen allele CA405635358.

ClinVar aggregate classification (germline): Uncertain significance. Review status: criteria provided, multiple submitters, no conflicts (2 of 4 stars). 4 submissions from 4 submitters: Uncertain significance (4). Last evaluated 2024-03-07.

Conditions:
RYR1-related disorder. Also called: RYR1-related condition; RYR1-related disorders. Identifiers: MedGen CN239331.
Malignant hyperthermia, susceptibility to, 1 (MHS1). Also called: Anesthesia related hyperthermia; Malignant hyperpyrexia; Fulminating hyperpyrexia; Pharmacogenic myopathy; RYR1-Related Malignant Hyperthermia Susceptibility; Malignant hyperthermia suceptibility 1. Identifiers: Orphanet 423, MedGen C2930980, MONDO:0007783, OMIM 145600.

Allele frequency attached by ClinVar (database versions not stated): TOPMed 0.00001.
gnomAD v4.1: 12 of 1,611,986 alleles (0.00074%); highest among the groups gnomAD compares: South Asian, 0.0033%; no homozygotes.

Submissions (4):

Color Diagnostics, LLC DBA Color Health
Classification: Uncertain significance for Malignant hyperthermia, susceptibility to, 1. Last evaluated: 2024-03-07. Review status: criteria provided, single submitter. Criteria: ACMG Guidelines, 2015. Collection method: clinical testing. Allele origin: germline.
Comment: This missense variant replaces arginine with cysteine at codon 1024 of the RYR1 protein. Computational prediction is inconclusive regarding the impact of this variant on protein structure and function. To our knowledge, functional studies have not been reported for this variant. This variant has not been reported in individuals affected with RYR1-related disorders in the literature. This variant has been identified in 2/243632 chromosomes in the general population by the Genome Aggregation Database (gnomAD). The available evidence is insufficient to determine the role of this variant in disease conclusively. Therefore, this variant is classified as a Variant of Uncertain Significance.

All of Us Research Program, National Institutes of Health
Classification: Uncertain significance for Malignant hyperthermia, susceptibility to, 1. Last evaluated: 2023-10-27. Review status: criteria provided, single submitter. Criteria: ACMG Guidelines, 2015. Collection method: clinical testing. Allele origin: germline. Inheritance: Autosomal dominant inheritance. Observed: 2 variant alleles, 2 heterozygotes.
Comment: This missense variant replaces arginine with cysteine at codon 1024 of the RYR1 protein. Computational prediction is inconclusive regarding the impact of this variant on protein structure and function (internally defined REVEL score threshold 0.5 < inconclusive < 0.7, PMID: 27666373). To our knowledge, functional studies have not been reported for this variant. This variant has not been reported in individuals affected with RYR1-related disorders in the literature. This variant has been identified in 2/243632 chromosomes in the general population by the Genome Aggregation Database (gnomAD). The available evidence is insufficient to determine the role of this variant in disease conclusively. Therefore, this variant is classified as a Variant of Uncertain Significance.

This study involves interpretation of variants in research participants for the purpose of population health screening. Participant phenotype was not available at the time of variant classification. Additional details can be found in publication PMID: 35346344, PMCID: PMC8962531

PreventionGenetics, part of Exact Sciences
Classification: Uncertain significance for RYR1-related condition. Last evaluated: 2023-05-05. Review status: criteria provided, single submitter. Criteria: ACMG Guidelines, 2015. Collection method: clinical testing. Allele origin: germline.
Comment: The RYR1 c.3070C>T variant is predicted to result in the amino acid substitution p.Arg1024Cys. To our knowledge, this variant has not been reported in the literature. This variant is reported in 0.0033% of alleles in individuals of South Asian descent in gnomAD. At this time, the clinical significance of this variant is uncertain due to the absence of conclusive functional and genetic evidence.

Labcorp Genetics (formerly Invitae), Labcorp
Classification: Uncertain significance for RYR1-related disorder. Last evaluated: 2022-07-21. Review status: criteria provided, single submitter. Criteria: Invitae Variant Classification Sherloc (09022015). Collection method: clinical testing. Allele origin: germline.
Comment: This sequence change replaces arginine, which is basic and polar, with cysteine, which is neutral and slightly polar, at codon 1024 of the RYR1 protein (p.Arg1024Cys). This variant is present in population databases (no rsID available, gnomAD 0.003%). This variant has not been reported in the literature in individuals affected with RYR1-related conditions. Advanced modeling of protein sequence and biophysical properties (such as structural, functional, and spatial information, amino acid conservation, physicochemical variation, residue mobility, and thermodynamic stability) performed at Invitae indicates that this missense variant is not expected to disrupt RYR1 protein function. In summary, the available evidence is currently insufficient to determine the role of this variant in disease. Therefore, it has been classified as a Variant of Uncertain Significance.